The following is an entry in ClinVar:

ClinVar aggregate classification (germline): Uncertain significance (1 of 4 stars; one submission).

Allele frequency attached by ClinVar (database versions not stated): TOPMed 0.00002; gnomAD 0.00003; ExAC 0.00004; gnomAD exomes 0.00005.

Submission:

Labcorp Genetics (formerly Invitae), Labcorp
Classification: Uncertain significance. Last evaluated: 2022-09-12. Review status: criteria provided, single submitter. Criteria: Invitae Variant Classification Sherloc (09022015). Collection method: clinical testing. Allele origin: germline.
Comment: This sequence change replaces arginine, which is basic and polar, with tryptophan, which is neutral and slightly polar, at codon 641 of the ERCC2 protein (p.Arg641Trp). This variant is present in population databases (rs769085031, gnomAD 0.04%). This variant has not been reported in the literature in individuals affected with ERCC2-related conditions. Advanced modeling of protein sequence and biophysical properties (such as structural, functional, and spatial information, amino acid conservation, physicochemical variation, residue mobility, and thermodynamic stability) performed at Invitae indicates that this missense variant is expected to disrupt ERCC2 protein function. In summary, the available evidence is currently insufficient to determine the role of this variant in disease. Therefore, it has been classified as a Variant of Uncertain Significance.

NM_000400.4(ERCC2):c.1921C>T (p.Arg641Trp)

Gene: ERCC2 (ERCC excision repair 2, TFIIH core complex helicase subunit; minus strand). Cytogenetic location: 19q13.32.
Variant type: single nucleotide variant.
Coding change: c.1921C>T on transcript NM_000400.4 (MANE Select); coding-DNA position 1921, C replaced by T.
Protein change: p.Arg641Trp; replaces arginine 641 with tryptophan.
Molecular consequence: missense variant.
Genome position (GRCh38, 1-based): chr19:45,352,631, G>A on the plus strand (C>T on the coding strand, the complement: ERCC2 is on the minus strand). VCF-style: chr19-45352631-G-A. GRCh37 (hg19) VCF-style: chr19-45855889-G-A.
Other names: short protein forms R641W.
Identifiers: ClinVar variation 2139081 (VCV002139081.1), dbSNP rs769085031, ClinGen allele CA9512972.
Genomic context (GRCh38, chr19:45,352,631, plus strand): 5'-CCGCGTGGCGCATGGCATCGAAGGTAAGAAAGTCATTCTCACGAATCTGGAACTGGTCCC[G>A]CAGGTATTCCAGCCGCGCCTGCAGATACGGAGGATGAGAAGCTGGGGAGGTGGGGGAGCC-3'
Protein context (NP_000391.1, residues 631-651): RILKARLEYL[Arg641Trp]DQFQIRENDF